The following is an entry in ClinVar:

ClinVar aggregate classification (germline): Uncertain significance (1 of 4 stars; one submission).

Conditions:
Cardiovascular phenotype. Identifiers: MedGen CN230736.

Allele frequency attached by ClinVar (database versions not stated): TOPMed below 0.00001.
gnomAD v4.1: 5 of 1,542,824 alleles (0.00032%); highest among the groups gnomAD compares: Non-Finnish European, 0.00035%; no homozygotes.

Submission:

Ambry Genetics
Classification: Uncertain significance for Cardiovascular phenotype. Last evaluated: 2022-04-19. Review status: criteria provided, single submitter. Criteria: Ambry Variant Classification Scheme 2023. Collection method: clinical testing. Allele origin: germline.
Comment: The p.S741N variant (also known as c.2222G>A), located in coding exon 1 of the ZNF469 gene, results from a G to A substitution at nucleotide position 2222. The serine at codon 741 is replaced by asparagine, an amino acid with highly similar properties. This amino acid position is conserved. In addition, this alteration is predicted to be tolerated by in silico analysis. Since supporting evidence is limited at this time, the clinical significance of this alteration remains unclear.

NM_001367624.2(ZNF469):c.2222G>A (p.Ser741Asn)

Gene: ZNF469 (zinc finger protein 469; plus strand). Cytogenetic location: 16q24.2.
Variant type: single nucleotide variant.
Coding change: c.2222G>A on transcript NM_001367624.2 (MANE Select); coding-DNA position 2222, G replaced by A.
Protein change: p.Ser741Asn; replaces serine 741 with asparagine.
Molecular consequence: missense variant.
Genome position (GRCh38, 1-based): chr16:88,429,692, G>A. VCF-style: chr16-88429692-G-A. GRCh37 (hg19) VCF-style: chr16-88496100-G-A.
Other names: NM_001127464.1:c.2222G>A; short protein forms S741N.
Identifiers: ClinVar variation 1787953 (VCV001787953.3), dbSNP rs927053567, ClinGen allele CA397070656.